The following is an entry in ClinVar:

NM_000787.4(DBH):c.1493C>T (p.Thr498Met)

Genes: DBH (dopamine beta-hydroxylase; plus strand), DBH-AS1 (DBH antisense RNA 1; minus strand). Cytogenetic location: 9q34.2.
Variant type: single nucleotide variant.
Coding change: c.1493C>T on transcript NM_000787.4 (MANE Select); coding-DNA position 1493, C replaced by T.
Protein change: p.Thr498Met; replaces threonine 498 with methionine.
Molecular consequence: missense variant.
Genome position (GRCh38, 1-based): chr9:133,656,581, C>T. VCF-style: chr9-133656581-C-T. GRCh37 (hg19) VCF-style: chr9-136521703-C-T.
Other names: short protein forms T498M.
Identifiers: ClinVar variation 365663 (VCV000365663.9), dbSNP rs78512658, ClinGen allele CA5313558.

ClinVar aggregate classification (germline): Uncertain significance. Review status: criteria provided, multiple submitters, no conflicts (2 of 4 stars). 2 submissions from 2 submitters: Uncertain significance (2). Last evaluated 2023-04-14.

Conditions:
Orthostatic hypotension 1 (ORTHYP1). Also called: Dopamine beta-hydroxylase deficiency; Orthostatic hypotension 1, due to DBH deficiency; NORADRENALINE DEFICIENCY; NOREPINEPHRINE DEFICIENCY. Identifiers: Orphanet 230, MedGen C4746777, MONDO:0009123, OMIM 223360.

Allele frequency attached by ClinVar (database versions not stated): ESP Exome Variant Server 0.00008; gnomAD 0.00009 and 0.00011; gnomAD exomes 0.00010; ExAC 0.00011; TOPMed 0.00013.
gnomAD v4.1: 97 of 1,613,742 alleles (0.006%); highest among the groups gnomAD compares: African/African-American, 0.027%; no homozygotes.

Submissions (2):

Labcorp Genetics (formerly Invitae), Labcorp
Classification: Uncertain significance for Orthostatic hypotension 1. Last evaluated: 2023-04-14. Review status: criteria provided, single submitter. Criteria: Invitae Variant Classification Sherloc (09022015). Collection method: clinical testing. Allele origin: germline.
Comment: This sequence change replaces threonine, which is neutral and polar, with methionine, which is neutral and non-polar, at codon 498 of the DBH protein (p.Thr498Met). This variant is present in population databases (rs78512658, gnomAD 0.06%). This variant has not been reported in the literature in individuals affected with DBH-related conditions. ClinVar contains an entry for this variant (Variation ID: 365663). Advanced modeling of protein sequence and biophysical properties (such as structural, functional, and spatial information, amino acid conservation, physicochemical variation, residue mobility, and thermodynamic stability) has been performed at Invitae for this missense variant, however the output from this modeling did not meet the statistical confidence thresholds required to predict the impact of this variant on DBH protein function. In summary, the available evidence is currently insufficient to determine the role of this variant in disease. Therefore, it has been classified as a Variant of Uncertain Significance.

Illumina Laboratory Services, Illumina
Classification: Uncertain significance for Orthostatic hypotension 1. Last evaluated: 2018-01-13. Review status: criteria provided, single submitter. Criteria: ICSL Variant Classification Criteria 13 December 2019. Collection method: clinical testing. Allele origin: germline.